The following is an entry in ClinVar:

ClinVar aggregate classification (germline): Likely pathogenic. Review status: reviewed by expert panel (3 of 4 stars). 2 submissions from 2 submitters: Likely pathogenic (1). 1 of the submissions does not count toward it. Last evaluated 2020-06-01.

Conditions:
Phenylketonuria (PKU). Also called: Phenylketonuria (PKU); FOLLING DISEASE; OLIGOPHRENIA PHENYLPYRUVICA; Phenylketonurias. Identifiers: Orphanet 716, MedGen C0031485, MONDO:0009861, OMIM 261600. Disease mechanism: loss of function.

Submissions (2):

ClinGen PAH Variant Curation Expert Panel
Classification: Likely pathogenic for Phenylketonuria. Last evaluated: 2020-06-01. Review status: reviewed by expert panel. Criteria: ClinGen PAH ACMG Specifications v1. Collection method: curation. Allele origin: germline. Inheritance: Autosomal recessive inheritance.
Comment: The c.1027T>G (p.Tyr343Asp) variant in PAH has been reported in 1 individual with mild PKU (BH4 deficiency excluded) detected in trans with p.S349P (PMID: 27121329). This variant is absent in population databases. Computational evidence supports a deleterious effect. In summary, this variant meets criteria to be classified as likely pathogenic for PAH. PAH-specific ACMG/AMP criteria applied: PP4_Moderate, PM2, PM3, PP3.

DeBelle Laboratory for Biochemical Genetics, MUHC/MCH RESEARCH INSTITUTE
No classification provided. Review status: no classification provided. Collection method: not provided. Allele origin: not provided. Not counted in ClinVar's aggregate classification.

Literature cited by the submitters: PubMed 27121329 (cited by ClinGen PAH Variant Curation Expert Panel).

NM_000277.3(PAH):c.1027T>G (p.Tyr343Asp)

Gene: PAH (phenylalanine hydroxylase; minus strand). Cytogenetic location: 12q23.2.
Variant type: single nucleotide variant.
Coding change: c.1027T>G on transcript NM_000277.3 (MANE Select); coding-DNA position 1027, T replaced by G.
Protein change: p.Tyr343Asp; replaces tyrosine 343 with aspartic acid.
Molecular consequence: missense variant.
Genome position (GRCh38, 1-based): chr12:102,844,374, A>C on the plus strand (T>G on the coding strand, the complement: PAH is on the minus strand). VCF-style: chr12-102844374-A-C. GRCh37 (hg19) VCF-style: chr12-103238152-A-C.
Other names: c.1027T>G, p.Tyr343Asp (NM_001354304.2); short protein forms Y343D.
Identifiers: ClinVar variation 102476 (VCV000102476.2), dbSNP rs62508651, ClinGen allele CA229280.